The following is an entry in ClinVar:

NM_000431.4(MVK):c.*11C>T

Gene: MVK (mevalonate kinase; plus strand). Cytogenetic location: 12q24.11.
Variant type: single nucleotide variant.
Coding change: c.*11C>T on transcript NM_000431.4 (MANE Select); 11 bases downstream of the stop codon, C replaced by T.
Molecular consequence: 3 prime UTR variant.
Genome position (GRCh38, 1-based): chr12:109,596,588, C>T. VCF-style: chr12-109596588-C-T. GRCh37 (hg19) VCF-style: chr12-110034393-C-T.
Other names: c.*11C>T (NM_001114185.3, NM_001301182.2).
Identifiers: ClinVar variation 97558 (VCV000097558.1), dbSNP rs104895345, ClinGen allele CA149762.

ClinVar aggregate classification (germline): not provided (0 of 4 stars; one submission).

Conditions:
Hyperimmunoglobulin D with periodic fever (HIDS). Also called: HYPERIMMUNOGLOBULINEMIA D AND PERIODIC FEVER SYNDROME; Hyperimmunoglobulinemia D; Hyperimmunoglobulinemia D with periodic fever. Identifiers: Orphanet 343, MedGen C0398691, MONDO:0009849, OMIM 260920.

Allele frequency attached by ClinVar (database versions not stated): gnomAD exomes 0.00001.
gnomAD v4.1: 16 of 1,606,680 alleles (0.001%); highest among the groups gnomAD compares: African/African-American, 0.0013%; no homozygotes.

Submission:

Unité médicale des maladies autoinflammatoires, CHRU Montpellier
No classification provided. Condition: Hyperimmunoglobulin D with periodic fever. Review status: no classification provided. Collection method: not provided. Allele origin: unknown.
Comment: also involved in OMIM 25117